The following is an entry in ClinVar:

NM_000463.3(UGT1A1):c.866A>G (p.Glu289Gly)

Genes: UGT1A (UDP glucuronosyltransferase family 1 member A complex locus; plus strand), UGT1A1 (UDP glucuronosyltransferase family 1 member A1; plus strand), UGT1A10 (UDP glucuronosyltransferase family 1 member A10; plus strand), UGT1A3 (UDP glucuronosyltransferase family 1 member A3; plus strand), UGT1A4 (UDP glucuronosyltransferase family 1 member A4; plus strand) and 5 more. Cytogenetic location: 2q37.1.
Variant type: single nucleotide variant.
Coding change: c.866A>G on transcript NM_000463.3 (MANE Select); coding-DNA position 866, A replaced by G.
Protein change: p.Glu289Gly; replaces glutamic acid 289 with glycine.
Molecular consequence: missense variant.
Genome position (GRCh38, 1-based): chr2:233,767,035, A>G. VCF-style: chr2-233767035-A-G. GRCh37 (hg19) VCF-style: chr2-234675681-A-G.
Other names: c.857A>G, p.Glu286Gly (NM_019075.4, NM_019076.5, NM_019077.3 and 1 more transcripts); c.863A>G, p.Glu288Gly (NM_001072.4); c.62A>G, p.Glu21Gly (NM_205862.3); c.869A>G, p.Glu290Gly (NM_019078.2, NM_007120.3, NM_019093.4); short protein forms E286G, E288G, E290G, E21G, E289G.
Identifiers: ClinVar variation 4691883 (VCV004691883.1).

ClinVar aggregate classification (germline): Uncertain significance (1 of 4 stars; one submission).

gnomAD v4.1: 1 of 1,614,064 alleles (0.000062%); highest among the groups gnomAD compares: Admixed American, 0.0017%; no homozygotes.

Submission:

Labcorp Genetics (formerly Invitae), Labcorp
Classification: Uncertain significance. Last evaluated: 2025-05-04. Review status: criteria provided, single submitter. Criteria: Invitae Variant Classification Sherloc (09022015). Collection method: clinical testing. Allele origin: germline.
Comment: This sequence change replaces glutamic acid, which is acidic and polar, with glycine, which is neutral and non-polar, at codon 289 of the UGT1A1 protein (p.Glu289Gly). This variant is present in population databases (no rsID available, gnomAD 0.003%). This variant has not been reported in the literature in individuals affected with UGT1A1-related conditions. An algorithm developed to predict the effect of missense changes on protein structure and function (PolyPhen-2) suggests that this variant is likely to be disruptive. In summary, the available evidence is currently insufficient to determine the role of this variant in disease. Therefore, it has been classified as a Variant of Uncertain Significance.